The following is an entry in ClinVar:

NM_015474.4(SAMHD1):c.1123C>T (p.Gln375Ter)

Gene: SAMHD1 (SAM and HD domain containing deoxynucleoside triphosphate triphosphohydrolase 1; minus strand). Cytogenetic location: 20q11.23.
Variant type: single nucleotide variant.
Coding change: c.1123C>T on transcript NM_015474.4 (MANE Select); coding-DNA position 1123, C replaced by T.
Protein change: p.Gln375Ter; replaces glutamine 375 with a stop codon.
Molecular consequence: nonsense.
Genome position (GRCh38, 1-based): chr20:36,912,492, G>A on the plus strand (C>T on the coding strand, the complement: SAMHD1 is on the minus strand). VCF-style: chr20-36912492-G-A. GRCh37 (hg19) VCF-style: chr20-35540895-G-A.
Other names: c.1123C>T, p.Gln375Ter (NM_001363729.2, NM_001363733.2); short protein forms Q375*.
Identifiers: ClinVar variation 1411720 (VCV001411720.6), dbSNP rs2148365710, ClinGen allele CA408844168.

ClinVar aggregate classification (germline): Pathogenic (1 of 4 stars; one submission).

Conditions:
Aicardi-Goutieres syndrome 5. Identifiers: Orphanet 51, MedGen C2749659, MONDO:0013059, OMIM 612952.

gnomAD v4.1: 1 of 1,612,996 alleles (0.000062%); highest among the groups gnomAD compares: Non-Finnish European, 0.000085%; no homozygotes.

Submission:

Labcorp Genetics (formerly Invitae), Labcorp
Classification: Pathogenic for Aicardi-Goutieres syndrome 5. Last evaluated: 2021-03-29. Review status: criteria provided, single submitter. Criteria: Invitae Variant Classification Sherloc (09022015). Collection method: clinical testing. Allele origin: germline.
Comment: This sequence change creates a premature translational stop signal (p.Gln375*) in the SAMHD1 gene. It is expected to result in an absent or disrupted protein product. Loss-of-function variants in SAMHD1 are known to be pathogenic (PMID: 19525956, 22461318). This variant is not present in population databases (ExAC no frequency). For these reasons, this variant has been classified as Pathogenic. This variant has not been reported in the literature in individuals with SAMHD1-related conditions.

Literature cited by the submitters: PubMed 19525956; PubMed 22461318.